The following is an entry in ClinVar:

ClinVar aggregate classification (germline): Uncertain significance (1 of 4 stars; one submission).

Submission:

GeneDx
Classification: Uncertain significance. Last evaluated: 2024-08-14. Review status: criteria provided, single submitter. Criteria: GeneDx Variant Classification Process June 2021. Collection method: clinical testing. Allele origin: germline. Affected: yes.
Comment: Not observed at significant frequency in large population cohorts (gnomAD); Nonsense variant predicted to result in protein truncation or nonsense mediated decay in a gene for which loss-of-function is not an established mechanism of disease; Has not been previously published as pathogenic or benign to our knowledge; Variants in candidate genes are classified as variants of uncertain significance in accordance with ACMG guidelines (PMID: 25741868)

NM_015698.6(GPKOW):c.763C>T (p.Arg255Ter)

Gene: GPKOW (G-patch domain and KOW motifs; minus strand). Cytogenetic location: Xp11.23.
Variant type: single nucleotide variant.
Coding change: c.763C>T on transcript NM_015698.6 (MANE Select); coding-DNA position 763, C replaced by T.
Protein change: p.Arg255Ter; replaces arginine 255 with a stop codon.
Molecular consequence: nonsense.
Genome position (GRCh38, 1-based): chrX:49,117,614, G>A on the plus strand (C>T on the coding strand, the complement: GPKOW is on the minus strand). VCF-style: chrX-49117614-G-A. GRCh37 (hg19) VCF-style: chrX-48973968-G-A.
Other names: short protein forms R255*.
Identifiers: ClinVar variation 3893367 (VCV003893367.1).
Genomic context (GRCh38, chrX:49,117,614, plus strand): 5'-CCTGCTGCCTGTTTTGGGCTCCCGGGATATCTTGGTTCCTTACCTTCCCATAGAGGCCTC[G>A]GTGAGGGCCAGAAAGAACCACCACAGCTCCTCCAGGCACCAGCCCTTGAGGCTGATCTTC-3'